The following is an entry in ClinVar:

ClinVar aggregate classification (germline): Pathogenic (1 of 4 stars; one submission).

Conditions:
Familial adenomatous polyposis 2. Also called: MYH-associated polyposis; FAP type 2; COLORECTAL ADENOMATOUS POLYPOSIS, AUTOSOMAL RECESSIVE; ADENOMAS, MULTIPLE COLORECTAL, AUTOSOMAL RECESSIVE; MUTYH-related attenuated familial adenomatous polyposis; MUTYH Polyposis. Identifiers: Orphanet 220460, Orphanet 247798, MedGen C3272841, MONDO:0012041, OMIM 608456.

Submission:

Labcorp Genetics (formerly Invitae), Labcorp
Classification: Pathogenic for Familial adenomatous polyposis 2. Last evaluated: 2018-05-14. Review status: criteria provided, single submitter. Criteria: Invitae Variant Classification Sherloc (09022015). Collection method: clinical testing. Allele origin: germline.
Comment: This sequence change creates a premature translational stop signal (p.Ser324*) in the MUTYH gene. It is expected to result in an absent or disrupted protein product. This variant is not present in population databases (ExAC no frequency). This variant has not been reported in the literature in individuals with MUTYH-related disease. Loss-of-function variants in MUTYH are known to be pathogenic (PMID: 18534194, 20663686). For these reasons, this variant has been classified as Pathogenic.

Literature cited by the submitters: PubMed 18534194; PubMed 20663686.

NM_001048174.2(MUTYH):c.887C>A (p.Ser296Ter)

Gene: MUTYH (mutY DNA glycosylase; minus strand). Cytogenetic location: 1p34.1.
Variant type: single nucleotide variant.
Coding change: c.887C>A on transcript NM_001048174.2 (MANE Select); coding-DNA position 887, C replaced by A.
Protein change: p.Ser296Ter; replaces serine 296 with a stop codon.
Molecular consequence: nonsense. On other transcripts: non-coding transcript variant (2).
Genome position (GRCh38, 1-based): chr1:45,332,049, G>T on the plus strand (C>A on the coding strand, the complement: MUTYH is on the minus strand). VCF-style: chr1-45332049-G-T. GRCh37 (hg19) VCF-style: chr1-45797721-G-T.
Other names: c.887C>A, p.Ser296Ter (NM_001048171.2, NM_001048173.2, NM_001293195.2); c.890C>A, p.Ser297Ter (NM_001048172.2); c.971C>A, p.Ser324Ter (NM_001128425.2); c.932C>A, p.Ser311Ter (NM_001293190.2); c.920C>A, p.Ser307Ter (NM_001293191.2); c.611C>A, p.Ser204Ter (NM_001293192.2, NM_001293196.2); c.542C>A, p.Ser181Ter (NM_001350650.2, NM_001350651.2); c.962C>A, p.Ser321Ter (NM_012222.3); short protein forms S324*, S181*, S307*, S204*, S297*, S311*, S321*, S296*.
Identifiers: ClinVar variation 569689 (VCV000569689.6), dbSNP rs558173961, ClinGen allele CA340134104.